The following is an entry in ClinVar:

NM_002439.5(MSH3):c.1040T>C (p.Leu347Pro)

Gene: MSH3 (mutS homolog 3; plus strand). Cytogenetic location: 5q14.1.
Variant type: single nucleotide variant.
Coding change: c.1040T>C on transcript NM_002439.5 (MANE Select); coding-DNA position 1040, T replaced by C.
Protein change: p.Leu347Pro; replaces leucine 347 with proline.
Molecular consequence: missense variant.
Genome position (GRCh38, 1-based): chr5:80,674,995, T>C. VCF-style: chr5-80674995-T-C. GRCh37 (hg19) VCF-style: chr5-79970814-T-C.
Other names: short protein forms L347P.
Identifiers: ClinVar variation 2013867 (VCV002013867.4), dbSNP rs2546724212, ClinGen allele CA360267858.

ClinVar aggregate classification (germline): Uncertain significance (1 of 4 stars; one submission).

Allele frequency attached by ClinVar (database versions not stated): gnomAD exomes below 0.00001.
gnomAD v4.1: 1 of 1,606,924 alleles (0.000062%); highest among the groups gnomAD compares: South Asian, 0.0011%; no homozygotes.

Submission:

Labcorp Genetics (formerly Invitae), Labcorp
Classification: Uncertain significance. Last evaluated: 2022-07-03. Review status: criteria provided, single submitter. Criteria: Invitae Variant Classification Sherloc (09022015). Collection method: clinical testing. Allele origin: germline.
Comment: This sequence change replaces leucine, which is neutral and non-polar, with proline, which is neutral and non-polar, at codon 347 of the MSH3 protein (p.Leu347Pro). This variant is not present in population databases (gnomAD no frequency). This variant has not been reported in the literature in individuals affected with MSH3-related conditions. Algorithms developed to predict the effect of missense changes on protein structure and function are either unavailable or do not agree on the potential impact of this missense change (SIFT: "Deleterious"; PolyPhen-2: "Benign"; Align-GVGD: "Class C0"). In summary, the available evidence is currently insufficient to determine the role of this variant in disease. Therefore, it has been classified as a Variant of Uncertain Significance.